The following is an entry in ClinVar:

ClinVar aggregate classification (germline): Uncertain significance (1 of 4 stars; one submission).

Conditions:
Hereditary cancer-predisposing syndrome. Also called: Tumor predisposition; Neoplastic Syndromes, Hereditary; Hereditary Cancer Syndrome; Hereditary neoplastic syndrome. Identifiers: Orphanet 140162, MedGen C0027672, MeSH D009386, MONDO:0015356.

Submission:

Ambry Genetics
Classification: Uncertain significance for Hereditary cancer-predisposing syndrome. Last evaluated: 2020-04-21. Review status: criteria provided, single submitter. Criteria: Ambry Variant Classification Scheme 2023. Collection method: clinical testing. Allele origin: germline.
Comment: The p.W103R variant (also known as c.307T>A), located in coding exon 3 of the MUTYH gene, results from a T to A substitution at nucleotide position 307. The tryptophan at codon 103 is replaced by arginine, an amino acid with dissimilar properties. This alteration has been reported as functionally defective based on results from a complementation assay performed in E. coli (Komine K et al. Hum. Mutat., 2015 Jul;36:704-11). This amino acid position is highly conserved in available vertebrate species. In addition, this alteration is predicted to be deleterious by in silico analysis. Since supporting evidence is limited at this time, the clinical significance of this alteration remains unclear.

Literature cited by the submitters: PubMed 25820570.

NM_001048174.2(MUTYH):c.223T>A (p.Trp75Arg)

Gene: MUTYH (mutY DNA glycosylase; minus strand). Cytogenetic location: 1p34.1.
Variant type: single nucleotide variant.
Coding change: c.223T>A on transcript NM_001048174.2 (MANE Select); coding-DNA position 223, T replaced by A.
Protein change: p.Trp75Arg; replaces tryptophan 75 with arginine.
Molecular consequence: missense variant. On other transcripts: 5 prime UTR variant (4), non-coding transcript variant (2).
Genome position (GRCh38, 1-based): chr1:45,333,454, A>T on the plus strand (T>A on the coding strand, the complement: MUTYH is on the minus strand). VCF-style: chr1-45333454-A-T. GRCh37 (hg19) VCF-style: chr1-45799126-A-T.
Other names: c.223T>A, p.Trp75Arg (NM_001048171.2, NM_001048173.2, NM_001293195.2 and 6 more transcripts); c.226T>A, p.Trp76Arg (NM_001048172.2, NM_001407071.1, NM_001407078.1 and 2 more transcripts); c.307T>A, p.Trp103Arg (NM_001128425.2); c.268T>A, p.Trp90Arg (NM_001293190.2); c.256T>A, p.Trp86Arg (NM_001293191.2, NM_001407077.1); c.-54T>A (NM_001293192.2, NM_001293196.2, NM_001407091.1); c.-49T>A (NM_001350650.2, NM_001350651.2, NM_001407082.1); c.298T>A, p.Trp100Arg (NM_001407069.1, NM_012222.3); and 3 more; short protein forms W86R, W103R, W82R, W89R, W47R, W75R, W100R, W76R.
Identifiers: ClinVar variation 1727360 (VCV001727360.2), dbSNP rs1140507, ClinGen allele CA340136414.